The following is an entry in ClinVar:

NM_000218.3(KCNQ1):c.1048G>C (p.Gly350Arg)

Gene: KCNQ1 (potassium voltage-gated channel subfamily Q member 1; plus strand). Cytogenetic location: 11p15.5.
Variant type: single nucleotide variant.
Coding change: c.1048G>C on transcript NM_000218.3 (MANE Select); coding-DNA position 1048, G replaced by C.
Protein change: p.Gly350Arg; replaces glycine 350 with arginine.
Molecular consequence: missense variant.
Genome position (GRCh38, 1-based): chr11:2,585,227, G>C. VCF-style: chr11-2585227-G-C. GRCh37 (hg19) VCF-style: chr11-2606457-G-C.
Other names: c.1048G>C (LRG_287t1); c.778G>C, p.Gly260Arg (NM_001406837.1); c.667G>C, p.Gly223Arg (NM_181798.2); short protein forms G350R, G223R, G260R.
Identifiers: ClinVar variation 52943 (VCV000052943.3), dbSNP rs199472824, ClinGen allele CA005094.

ClinVar aggregate classification (germline): not provided (0 of 4 stars; one submission).

Conditions:
Familial long QT syndrome (RWS). Also called: Congenital long QT syndrome; Romano-Ward syndrome; VENTRICULAR FIBRILLATION WITH PROLONGED QT INTERVAL. Identifiers: Orphanet 768, MedGen C1141890, MONDO:0019171.

Submission:

Cardiovascular Biomedical Research Unit, Royal Brompton & Harefield NHS Foundation Trust
No classification provided. Condition: Familial long QT syndrome. Review status: no classification provided. Collection method: literature only. Allele origin: germline.
Comment: This variant has been reported as associated with Long QT syndrome in the following publications (PMID:16414944). This is a literature report, and does not necessarily reflect the clinical interpretation of the Imperial College / Royal Brompton Cardiovascular Genetics laboratory.

Literature cited by the submitters: PubMed 16414944; PubMed 22581653.